The following is an entry in ClinVar:

NM_001761.3(CCNF):c.2202G>A (p.Ser734=)

Genes: CCNF (cyclin F; plus strand), LOC105371050 (uncharacterized LOC105371050; minus strand). Cytogenetic location: 16p13.3.
Variant type: single nucleotide variant.
Coding change: c.2202G>A on transcript NM_001761.3 (MANE Select); coding-DNA position 2202, G replaced by A.
Protein change: p.Ser734=; no amino-acid change (serine 734 retained).
Molecular consequence: synonymous variant.
Genome position (GRCh38, 1-based): chr16:2,456,861, G>A. VCF-style: chr16-2456861-G-A. GRCh37 (hg19) VCF-style: chr16-2506862-G-A.
Other names: p.Ser734=; c.1278G>A, p.Ser426= (NM_001323538.2).
Identifiers: ClinVar variation 770630 (VCV000770630.6), dbSNP rs115100621, ClinGen allele CA7842851.
Genomic context (GRCh38, chr16:2,456,861, plus strand): 5'-GGACGGTGGCTTGGGGGCCCTGCCCCAACCTACCTCAGTGCTGTCCCTGGACAGTGACTC[G>A]CACACACAGCCCTGCCACCATCAGGCCAGGAAGTCATGTTTACAGTGTCGTCCCCCAAGT-3'
Protein context (NP_001752.2, residues 724-744): PTSVLSLDSD[Ser734=]HTQPCHHQAR

ClinVar aggregate classification (germline): Benign. Review status: criteria provided, multiple submitters, no conflicts (2 of 4 stars). 3 submissions from 3 submitters: Benign (3). Last evaluated 2023-05-31.

Allele frequency attached by ClinVar (database versions not stated): gnomAD exomes 0.00281; TOPMed 0.00615; 1000 Genomes Project 0.00779; 1000 Genomes Project 30x 0.00859; gnomAD 0.00590 and 0.00619; ExAC 0.00259; ESP Exome Variant Server 0.00531.
gnomAD v4.1: 3,115 of 1,614,040 alleles (0.19%); highest among the groups gnomAD compares: African/African-American, 1.6%; 24 homozygotes.

Submissions (3):

Mayo Clinic Laboratories, Mayo Clinic
Classification: Benign. Last evaluated: 2023-05-31. Review status: criteria provided, single submitter. Criteria: ACMG Guidelines, 2015. Collection method: clinical testing. Allele origin: germline. Observed: 2 variant alleles.
Comment: BS1, BS2, BP4, BP7

Labcorp Genetics (formerly Invitae), Labcorp
Classification: Benign. Last evaluated: 2019-12-31. Review status: criteria provided, single submitter. Criteria: Invitae Variant Classification Sherloc (09022015). Collection method: clinical testing. Allele origin: germline.

Breakthrough Genomics
Classification: Benign. Review status: criteria provided, single submitter. Criteria: ACMG Guidelines, 2015. Collection method: not provided. Allele origin: germline. Inheritance: Autosomal dominant inheritance. Affected: yes.